The following is an entry in ClinVar:

NM_152383.5(DIS3L2):c.1343T>A (p.Leu448Gln)

Gene: DIS3L2 (DIS3 like 3'-5' exoribonuclease 2; plus strand). Cytogenetic location: 2q37.1.
Variant type: single nucleotide variant.
Coding change: c.1343T>A on transcript NM_152383.5 (MANE Select); coding-DNA position 1343, T replaced by A.
Protein change: p.Leu448Gln; replaces leucine 448 with glutamine.
Molecular consequence: missense variant. On other transcripts: non-coding transcript variant (2).
Genome position (GRCh38, 1-based): chr2:232,249,264, T>A. VCF-style: chr2-232249264-T-A. GRCh37 (hg19) VCF-style: chr2-233113974-T-A.
Other names: c.1343T>A, p.Leu448Gln (NM_001257281.2); short protein forms L448Q.
Identifiers: ClinVar variation 653473 (VCV000653473.8), dbSNP rs1574971457, ClinGen allele CA351155400.

ClinVar aggregate classification (germline): Uncertain significance (1 of 4 stars; one submission).

Conditions:
Perlman syndrome (PRLMNS). Identifiers: Orphanet 2849, MedGen C0796113, MONDO:0009965, OMIM 267000.

Submission:

Labcorp Genetics (formerly Invitae), Labcorp
Classification: Uncertain significance for Perlman syndrome. Last evaluated: 2025-05-27. Review status: criteria provided, single submitter. Criteria: Invitae Variant Classification Sherloc (09022015). Collection method: clinical testing. Allele origin: germline.
Comment: This sequence change replaces leucine, which is neutral and non-polar, with glutamine, which is neutral and polar, at codon 448 of the DIS3L2 protein (p.Leu448Gln). This variant is not present in population databases (gnomAD no frequency). This variant has not been reported in the literature in individuals affected with DIS3L2-related conditions. ClinVar contains an entry for this variant (Variation ID: 653473). Invitae Evidence Modeling of protein sequence and biophysical properties (such as structural, functional, and spatial information, amino acid conservation, physicochemical variation, residue mobility, and thermodynamic stability) indicates that this missense variant is expected to disrupt DIS3L2 protein function with a positive predictive value of 80%. In summary, the available evidence is currently insufficient to determine the role of this variant in disease. Therefore, it has been classified as a Variant of Uncertain Significance.